The following is an entry in ClinVar:

NM_005245.4(FAT1):c.4818T>C (p.Ile1606=)

Genes: FAT1 (FAT atypical cadherin 1; minus strand), LOC132090718 (Neanderthal introgressed variant-containing enhancer experimental_76848; plus strand). Cytogenetic location: 4q35.2.
Variant type: single nucleotide variant.
Coding change: c.4818T>C on transcript NM_005245.4 (MANE Select); coding-DNA position 4818, T replaced by C.
Protein change: p.Ile1606=; no amino-acid change (isoleucine 1606 retained).
Molecular consequence: synonymous variant.
Genome position (GRCh38, 1-based): chr4:186,621,768, A>G on the plus strand (T>C on the coding strand, the complement: FAT1 is on the minus strand). VCF-style: chr4-186621768-A-G. GRCh37 (hg19) VCF-style: chr4-187542922-A-G.
Other names: p.Ile1606=.
Identifiers: ClinVar variation 790790 (VCV000790790.38), dbSNP rs34360279, ClinGen allele CA3166582.

ClinVar aggregate classification (germline): Benign/Likely benign. Review status: criteria provided, multiple submitters, no conflicts (2 of 4 stars). 5 submissions from 5 submitters: Benign (2); Likely benign (3). Last evaluated 2026-01-29.

Allele frequency attached by ClinVar (database versions not stated): 1000 Genomes Project 0.00280; 1000 Genomes Project 30x 0.00312; gnomAD 0.00476 and 0.00479; TOPMed 0.00479; ESP Exome Variant Server 0.00564; gnomAD exomes 0.00619 and 0.00787; ExAC 0.00987.
gnomAD v4.1: 11,783 of 1,559,026 alleles (0.76%); highest among the groups gnomAD compares: Non-Finnish European, 0.87%; 49 homozygotes.

Submissions (5):

Labcorp Genetics (formerly Invitae), Labcorp
Classification: Benign. Last evaluated: 2026-01-29. Review status: criteria provided, single submitter. Criteria: Invitae Variant Classification Sherloc (09022015). Collection method: clinical testing. Allele origin: germline.

CeGaT Center for Human Genetics Tuebingen
Classification: Likely benign. Last evaluated: 2025-10-01. Review status: criteria provided, single submitter. Criteria: CeGaT Center For Human Genetics Tuebingen Variant Classification Criteria Version 2. Collection method: clinical testing. Allele origin: germline. Affected: yes. Observed: 11 variant alleles.
Comment: FAT1: BP4, BP7, BS2

Mayo Clinic Laboratories, Mayo Clinic
Classification: Benign. Last evaluated: 2023-08-07. Review status: criteria provided, single submitter. Criteria: ACMG Guidelines, 2015. Collection method: clinical testing. Allele origin: germline. Observed: 3 variant alleles.
Comment: BS1, BS2, BP4, BP7

GeneDx
Classification: Likely benign. Last evaluated: 2021-04-29. Review status: criteria provided, single submitter. Criteria: GeneDx Variant Classification Process June 2021. Collection method: clinical testing. Allele origin: germline. Affected: yes.

Breakthrough Genomics
Classification: Likely benign. Review status: criteria provided, single submitter. Criteria: ACMG Guidelines, 2015. Collection method: not provided. Allele origin: germline. Inheritance: Unknown mechanism. Affected: yes.